The following is an entry in ClinVar:

ClinVar aggregate classification (germline): Benign. Review status: criteria provided, multiple submitters, no conflicts (2 of 4 stars). 12 submissions from 12 submitters: Benign (8). 4 of the submissions do not count toward it. Last evaluated 2026-02-02.

Conditions:
Collagen 6-related myopathy. Identifiers: MedGen CN117976, MONDO:0100225.
Bethlem myopathy 1A. Also called: MYOPATHY, BENIGN CONGENITAL, WITH CONTRACTURES; Bethlem myopathy 1; Bethlem Muscular Dystrophy. Identifiers: Orphanet 610, MedGen CN029274, MONDO:0024530, OMIM 158810.

Allele frequency attached by ClinVar (database versions not stated): gnomAD 0.01061 and 0.01225; TOPMed 0.01431; gnomAD exomes 0.02645 and 0.00841; 1000 Genomes Project 0.02656; 1000 Genomes Project 30x 0.02670; ESP Exome Variant Server 0.00115; ExAC 0.02261.
gnomAD v4.1: 14,274 of 1,613,966 alleles (0.88%); highest among the groups gnomAD compares: Admixed American, 9.4%; 533 homozygotes.

Submissions (12):

Labcorp Genetics (formerly Invitae), Labcorp
Classification: Benign for Bethlem myopathy 1A. Last evaluated: 2026-02-02. Review status: criteria provided, single submitter. Criteria: Invitae Variant Classification Sherloc (09022015). Collection method: clinical testing. Allele origin: germline.

Mayo Clinic Laboratories, Mayo Clinic
Classification: Benign. Last evaluated: 2019-01-25. Review status: criteria provided, single submitter. Criteria: ACMG Guidelines, 2015. Collection method: clinical testing. Allele origin: germline. Observed: 14 variant alleles.

Athena Diagnostics
Classification: Benign. Last evaluated: 2018-06-26. Review status: criteria provided, single submitter. Criteria: Athena Diagnostics Criteria. Collection method: clinical testing. Allele origin: germline.

Illumina Laboratory Services, Illumina
Classification: Benign for Collagen VI-related myopathy. Last evaluated: 2018-03-06. Review status: criteria provided, single submitter. Criteria: ICSL Variant Classification Criteria 13 December 2019. Collection method: clinical testing. Allele origin: germline.
Comment: This variant was observed in the ICSL laboratory as part of a predisposition screen in an ostensibly healthy population. It had not been previously curated by ICSL or reported in the Human Gene Mutation Database (HGMD: prior to June 1st, 2018), and was therefore a candidate for classification through an automated scoring system. Utilizing variant allele frequency, disease prevalence and penetrance estimates, and inheritance mode, an automated score was calculated to assess if this variant is too frequent to cause the disease. Based on the score and internal cut-off values, a variant classified as benign is not then subjected to further curation. The score for this variant resulted in a classification of benign for this disease.

GeneDx
Classification: Benign. Last evaluated: 2016-03-18. Review status: criteria provided, single submitter. Criteria: GeneDx Variant Classification (06012015). Collection method: clinical testing. Allele origin: germline. Affected: yes.
Comment: This variant is considered likely benign or benign based on one or more of the following criteria: it is a conservative change, it occurs at a poorly conserved position in the protein, it is predicted to be benign by multiple in silico algorithms, and/or has population frequency not consistent with disease.

Eurofins Ntd Llc (ga)
Classification: Benign. Last evaluated: 2012-11-05. Review status: criteria provided, single submitter. Criteria: EGL Classification Definitions 2015. Collection method: clinical testing. Allele origin: germline. Observed: 5 variant alleles, 5 heterozygotes.

Breakthrough Genomics
Classification: Benign. Review status: criteria provided, single submitter. Criteria: ACMG Guidelines, 2015. Collection method: not provided. Allele origin: germline. Inheritance: Autosomal recessive inheritance. Affected: yes.

PreventionGenetics, part of Exact Sciences
Classification: Benign. Review status: criteria provided, single submitter. Criteria: ACMG Guidelines, 2015. Collection method: clinical testing. Allele origin: germline.

Clinical Genetics, Academic Medical Center
Classification: Benign. Review status: no assertion criteria provided. Collection method: clinical testing. Allele origin: germline. Affected: yes. Study: VKGL Data-share Consensus. Not counted in ClinVar's aggregate classification.

Genetic Services Laboratory, University of Chicago
Classification: Likely benign for AllHighlyPenetrant. Review status: no assertion criteria provided. Collection method: clinical testing. Allele origin: germline. Not counted in ClinVar's aggregate classification.
Comment: Likely benign based on allele frequency in 1000 Genomes Project or ESP global frequency and its presence in a patient with a rare or unrelated disease phenotype. NOT Sanger confirmed.

Genome Diagnostics Laboratory, University Medical Center Utrecht
Classification: Likely benign. Review status: no assertion criteria provided. Collection method: clinical testing. Allele origin: germline. Affected: yes. Study: VKGL Data-share Consensus. Not counted in ClinVar's aggregate classification.

Laboratory of Diagnostic Genome Analysis, Leiden University Medical Center (LUMC)
Classification: Likely benign. Review status: no assertion criteria provided. Collection method: clinical testing. Allele origin: germline. Affected: yes. Study: VKGL Data-share Consensus. Not counted in ClinVar's aggregate classification.

Literature cited by the submitters: PubMed 15563506 (cited by Athena Diagnostics); PubMed 15689448 (cited by Athena Diagnostics); PubMed 16935502 (cited by Athena Diagnostics); PubMed 17785673 (cited by Athena Diagnostics).

NM_004369.4(COL6A3):c.2419G>A (p.Ala807Thr)

Gene: COL6A3 (collagen type VI alpha 3 chain; minus strand). Cytogenetic location: 2q37.3.
Variant type: single nucleotide variant.
Coding change: c.2419G>A on transcript NM_004369.4 (MANE Select); coding-DNA position 2419, G replaced by A.
Protein change: p.Ala807Thr; replaces alanine 807 with threonine.
Molecular consequence: missense variant. On other transcripts: intron variant (1).
Genome position (GRCh38, 1-based): chr2:237,378,714, C>T on the plus strand (G>A on the coding strand, the complement: COL6A3 is on the minus strand). VCF-style: chr2-237378714-C-T. GRCh37 (hg19) VCF-style: chr2-238287357-C-T.
Other names: c.1198G>A, p.Ala400Thr (NM_057164.5); c.1801G>A, p.Ala601Thr (NM_057165.5, NM_057167.4); c.677-1370G>A (NM_057166.5); short protein forms A601T, A400T.
Identifiers: ClinVar variation 94915 (VCV000094915.26), dbSNP rs113155945, ClinGen allele CA147931.